The following is an entry in ClinVar:

ClinVar aggregate classification (germline): Likely benign. Review status: criteria provided, multiple submitters, no conflicts (2 of 4 stars). 8 submissions from 8 submitters: Likely benign (6). 2 of the submissions do not count toward it. Last evaluated 2026-05-15.

Conditions:
PKD1-related disorder. Also called: PKD1-related condition.
Polycystic kidney disease, adult type (PKD1). Also called: POLYCYSTIC KIDNEY DISEASE, ADULT, TYPE I; Polycystic Kidney Disease 1, Autosomal Dominant; Polycystic kidney disease 1; Polycystic kidney disease 1, severe; Polycystic Kidney, Autosomal Dominant; POLYCYSTIC KIDNEY DISEASE 1 WITH OR WITHOUT POLYCYSTIC LIVER DISEASE. Identifiers: MedGen C3149841, MONDO:0008263, OMIM 173900.
Inborn genetic diseases. Identifiers: MedGen C0950123, MeSH D030342.

Allele frequency attached by ClinVar (database versions not stated): gnomAD 0.00018 and 0.00028; gnomAD exomes 0.00049 and 0.00029; ExAC 0.00054; 1000 Genomes Project 0.00060; ESP Exome Variant Server 0.00062; 1000 Genomes Project 30x 0.00047.
gnomAD v4.1: 466 of 1,611,582 alleles (0.029%); highest among the groups gnomAD compares: South Asian, 0.27%; 3 homozygotes.

Submissions (8):

Women's Health and Genetics/Laboratory Corporation of America, LabCorp
Classification: Likely benign. Last evaluated: 2026-05-15. Review status: criteria provided, single submitter. Criteria: LabCorp Variant Classification Summary - May 2015. Collection method: clinical testing. Allele origin: germline.

PreventionGenetics, part of Exact Sciences
Classification: Likely benign for PKD1-related condition. Last evaluated: 2026-01-16. Review status: criteria provided, single submitter. Criteria: ACMG Guidelines, 2015. Collection method: clinical testing. Allele origin: germline.
Comment: This variant is classified as likely benign based on ACMG/AMP sequence variant interpretation guidelines (Richards et al. 2015 PMID: 25741868, with internal and published modifications).

Blueprint Genetics
Classification: Likely benign. Last evaluated: 2024-06-12. Review status: criteria provided, single submitter. Criteria: ACMG Guidelines, 2015. Collection method: clinical testing. Allele origin: germline.

Department of Pathology and Laboratory Medicine, Sinai Health System
Classification: Likely benign for Polycystic kidney disease, adult type. Last evaluated: 2022-09-15. Review status: criteria provided, single submitter. Criteria: ACMG Guidelines, 2015. Collection method: clinical testing. Allele origin: germline. Affected: yes.

Fulgent Genetics
Classification: Likely benign for Polycystic kidney disease, adult type. Last evaluated: 2022-01-13. Review status: criteria provided, single submitter. Criteria: ACMG Guidelines, 2015. Collection method: clinical testing. Allele origin: unknown.

Ambry Genetics
Classification: Likely benign for Inborn genetic diseases. Last evaluated: 2021-10-05. Review status: criteria provided, single submitter. Criteria: Ambry Variant Classification Scheme 2023. Collection method: clinical testing. Allele origin: germline.

Clinical Genetics DNA and cytogenetics Diagnostics Lab, Erasmus MC, Erasmus Medical Center
Classification: Likely benign. Review status: no assertion criteria provided. Collection method: clinical testing. Allele origin: germline. Affected: yes. Study: VKGL Data-share Consensus. Not counted in ClinVar's aggregate classification.

Laboratory of Diagnostic Genome Analysis, Leiden University Medical Center (LUMC)
Classification: Likely benign. Review status: no assertion criteria provided. Collection method: clinical testing. Allele origin: germline. Affected: yes. Study: VKGL Data-share Consensus. Not counted in ClinVar's aggregate classification.

NM_001009944.3(PKD1):c.11412-6C>T

Genes: PKD1 (polycystin 1, transient receptor potential channel interacting; minus strand), PKD1-AS1 (PKD1 antisense RNA 1; plus strand). Cytogenetic location: 16p13.3.
Variant type: single nucleotide variant.
Coding change: c.11412-6C>T on transcript NM_001009944.3 (MANE Select); 6 bases into the intron before coding-DNA position 11412, C replaced by T.
Molecular consequence: intron variant.
Genome position (GRCh38, 1-based): chr16:2,091,912, G>A on the plus strand (C>T on the coding strand, the complement: PKD1 is on the minus strand). VCF-style: chr16-2091912-G-A. GRCh37 (hg19) VCF-style: chr16-2141913-G-A.
Other names: c.11409-6C>T (NM_000296.3, NM_000296.4); c.11412-6C>T (NM_001009944.2).
Identifiers: ClinVar variation 1328334 (VCV001328334.10), dbSNP rs367775096, ClinGen allele CA7829119.